The following is an entry in ClinVar:

NM_001204.7(BMPR2):c.2551T>C (p.Phe851Leu)

Gene: BMPR2 (bone morphogenetic protein receptor type 2; plus strand). Cytogenetic location: 2q33.2.
Variant type: single nucleotide variant.
Coding change: c.2551T>C on transcript NM_001204.7 (MANE Select); coding-DNA position 2551, T replaced by C.
Protein change: p.Phe851Leu; replaces phenylalanine 851 with leucine.
Molecular consequence: missense variant.
Genome position (GRCh38, 1-based): chr2:202,556,216, T>C. VCF-style: chr2-202556216-T-C. GRCh37 (hg19) VCF-style: chr2-203420939-T-C.
Other names: short protein forms F851L.
Identifiers: ClinVar variation 3992124 (VCV003992124.1).

ClinVar aggregate classification (germline): Uncertain significance (1 of 4 stars; one submission).

Conditions:
Inborn genetic diseases. Identifiers: MedGen C0950123, MeSH D030342.

gnomAD v4.1: 15 of 1,612,228 alleles (0.00093%); highest among the groups gnomAD compares: Non-Finnish European, 0.0013%; no homozygotes.

Submission:

Ambry Genetics
Classification: Uncertain significance for Inborn genetic diseases. Last evaluated: 2025-04-17. Review status: criteria provided, single submitter. Criteria: Ambry Variant Classification Scheme 2023. Collection method: clinical testing. Allele origin: germline.
Comment: The p.F851L variant (also known as c.2551T>C), located in coding exon 12 of the BMPR2 gene, results from a T to C substitution at nucleotide position 2551. The phenylalanine at codon 851 is replaced by leucine, an amino acid with highly similar properties. This amino acid position is conserved. In addition, the in silico prediction for this alteration is inconclusive. Based on the available evidence, the clinical significance of this variant remains unclear.